The following is an entry in ClinVar:

NM_000257.4(MYH7):c.2222G>A (p.Gly741Glu)

Gene: MYH7 (myosin heavy chain 7; minus strand). Cytogenetic location: 14q11.2.
Variant type: single nucleotide variant.
Coding change: c.2222G>A on transcript NM_000257.4 (MANE Select); coding-DNA position 2222, G replaced by A.
Protein change: p.Gly741Glu; replaces glycine 741 with glutamic acid.
Molecular consequence: missense variant.
Genome position (GRCh38, 1-based): chr14:23,425,759, C>T on the plus strand (G>A on the coding strand, the complement: MYH7 is on the minus strand). VCF-style: chr14-23425759-C-T. GRCh37 (hg19) VCF-style: chr14-23894968-C-T.
Other names: c.2222G>A (LRG_384t1); short protein forms G741E.
Identifiers: ClinVar variation 380277 (VCV000380277.7), dbSNP rs1057520814, ClinGen allele CA16606949.
Genomic context (GRCh38, chr14:23,425,759, plus strand): 5'-GTGTGGCCAAACTTGTACTGGTTGTGATCAATGTCCAGGGAGCTGAGCAGCTTCTCTGCC[C>T]CCTTCCTGCTATCAATGAACTGTCCCTCAGGGATGGCCGCTGGGTTCAGGATGCGATACC-3'
Protein context (NP_000248.2, residues 731-751): PEGQFIDSRK[Gly741Glu]AEKLLSSLDI

ClinVar aggregate classification (germline): Pathogenic/Likely pathogenic. Review status: criteria provided, multiple submitters, no conflicts (2 of 4 stars). 2 submissions from 2 submitters: Pathogenic (1); Likely pathogenic (1). Last evaluated 2026-01-31.

Conditions:
Hypertrophic cardiomyopathy. Also called: HYPERTROPHIC MYOCARDIOPATHY. Identifiers: Orphanet 217569, MedGen C0007194, MeSH D002312, MONDO:0005045, HP:0001639.

Submissions (2):

Labcorp Genetics (formerly Invitae), Labcorp
Classification: Pathogenic for Hypertrophic cardiomyopathy. Last evaluated: 2026-01-31. Review status: criteria provided, single submitter. Criteria: Invitae Variant Classification Sherloc (09022015). Collection method: clinical testing. Allele origin: germline.
Comment: This sequence change replaces glycine, which is neutral and non-polar, with glutamic acid, which is acidic and polar, at codon 741 of the MYH7 protein (p.Gly741Glu). This variant is not present in population databases (gnomAD no frequency). This missense change has been observed in individual(s) with clinical features of MYH7-related conditions (internal data). In at least one individual the variant was observed to be de novo. ClinVar contains an entry for this variant (Variation ID: 380277). Invitae Evidence Modeling of protein sequence and biophysical properties (such as structural, functional, and spatial information, amino acid conservation, physicochemical variation, residue mobility, and thermodynamic stability) indicates that this missense variant is expected to disrupt MYH7 protein function with a positive predictive value of 95%. This variant is found within a region of MYH7 between codons 181 and 937 that contains the majority of the myosin head domain. Missense variants in this region have been shown to be significantly overrepresented in individuals with hypertrophic cardiomyopathy (PMID: 27532257). For these reasons, this variant has been classified as Pathogenic.

GeneDx
Classification: Likely pathogenic. Last evaluated: 2016-12-29. Review status: criteria provided, single submitter. Criteria: GeneDx Variant Classification (06012015). Collection method: clinical testing. Allele origin: germline. Affected: yes.
Comment: A variant that is likely pathogenic was identified in the MYH7 gene. The G741E variant has not been published as a pathogenic variant, nor has it been reported as a benign variant to our knowledge. The G741E variant was not observed in approximately 6,500 individuals of European and African American ancestry in the NHLBI Exome Sequencing Project, indicating it is not a common benign variant in these populations. G741E is a non-conservative amino acid substitution, which is likely to impact secondary protein structure as these residues differ in polarity, charge, size and/or other properties. This substitution occurs at a position where only amino acids with similar properties to Glycine are tolerated across species. In silico analysis predicts this variant is probably damaging to the protein structure/function. Furthermore, different pathogenic missense variants at the same residues (G741R, G741W) have been reported in the Human Gene Mutation Database and at GeneDx in association with HCM (Stenson et al., 2014), supporting the functional importance of this residue. However, to our knowledge no studies have been performed to determine the functional effect of the G741E variant.Therefore, this variant is likely pathogenic. In order to definitively determine its clinical significance, additional data is required.

Literature cited by the submitters: PubMed 27532257 (cited by Labcorp Genetics (formerly Invitae), Labcorp).